The following is an entry in ClinVar:

ClinVar aggregate classification (germline): Benign. Review status: reviewed by expert panel (3 of 4 stars). 24 submissions from 23 submitters: Benign (1). 23 of the submissions do not count toward it. Last evaluated 2021-03-17.

Conditions:
Myopathy, progressive axial with cataracts.
Congenital multicore myopathy with external ophthalmoplegia (CMYO1B). Also called: MULTICORE MYOPATHY; Minicore myopathy with external ophthalmoplegia; Congenital myopathy 1B, autosomal recessive; Minicore myopathy; MULTIMINICORE DISEASE WITH EXTERNAL OPHTHALMOPLEGIA. Identifiers: Orphanet 598, Orphanet 98905, MedGen C1850674, MONDO:0009712, OMIM 255320, HP:0003789.
Congenital myopathy with fiber type disproportion. Also called: Congenital fiber-type disproportion myopathy; Congenital fiber-type disproportion. Identifiers: Orphanet 2020, MedGen C0546264, MONDO:0009711. Inheritance: all.
Central core myopathy (CMYO1A). Also called: Central core disease; Myopathy, central fibrillar; CONGENITAL MYOPATHY 1A, AUTOSOMAL DOMINANT, WITH SUSCEPTIBILITY TO MALIGNANT HYPERTHERMIA. Identifiers: Orphanet 597, MedGen C5830701, MONDO:0007294, OMIM 117000.
Malignant hyperthermia, susceptibility to, 1 (MHS1). Also called: Malignant hyperthermia suceptibility 1; Anesthesia related hyperthermia; Malignant hyperpyrexia; Fulminating hyperpyrexia; Pharmacogenic myopathy; RYR1-Related Malignant Hyperthermia Susceptibility. Identifiers: Orphanet 423, MedGen C2930980, MONDO:0007783, OMIM 145600.
King Denborough syndrome (KDS). Identifiers: MedGen C1840365, MONDO:0020485, OMIM 619542.
RYR1-related disorder. Also called: RYR1-related disorders; RYR1-related condition. Identifiers: MedGen CN239331.
Malignant hyperthermia of anesthesia. Also called: Anesthesic-triggered malignant hyperthermia. Identifiers: Orphanet 423, MedGen C0024591, MONDO:0018493, HP:0034733.
Congenital hip dislocation. Also called: Congenital dislocation of hip. Identifiers: MedGen C0019555, HP:0001374.
Congenital muscular dystrophy. Identifiers: Orphanet 97242, MedGen C0699743, MONDO:0019950. Disease mechanism: loss of function.
EMG: myopathic abnormalities. Identifiers: MedGen C4021726, HP:0003458.
Generalized muscle weakness. Identifiers: MedGen C0746674, HP:0003324.

Allele frequency attached by ClinVar (database versions not stated): TOPMed 0.00353; 1000 Genomes Project 30x 0.00187; ESP Exome Variant Server 0.00331; 1000 Genomes Project 0.00180.
gnomAD v4.1: 8,508 of 1,591,128 alleles (0.53%); highest among the groups gnomAD compares: Non-Finnish European, 0.65%; 23 homozygotes.

Submissions 1 to 12 of 24:

ClinGen Malignant Hyperthermia Susceptibility Variant Curation Expert Panel, ClinGen
Classification: Benign for Malignant hyperthermia, susceptibility to, 1. Last evaluated: 2021-03-17. Review status: reviewed by expert panel. Criteria: ClinGen MHS ACMG Specifications V1. Collection method: curation. Allele origin: germline. Inheritance: Autosomal dominant inheritance. Study: ClinGen.
Comment: This pathogenicity assessment is relevant only for malignant hyperthermia susceptibility (MHS) inherited in an autosomal dominant pattern. Variants in RYR1 can also cause other myopathies inherited in an autosomal dominant pattern or in an autosomal recessive pattern. Some of these disorders may predispose individuals to malignant hyperthermia. RYR1 variants may also contribute to a malignant hyperthermia reaction in combination with other genetic and non-genetic factors and the clinician needs to consider such factors in making management decisions. This sequence variant predicts a substitution of Aspartic Acid with Histidine at codon 4505 of the RYR1 protein, p.(Asp4505His). The maximum allele frequency for this variant among the six major gnomAD populations is NFE: 0.0054, which is considered to be too common for a pathogenic variant causing autosomal dominantly inherited MHS, BA1. This variant has been classified as Benign. Criteria implemented: BA1.

CeGaT Center for Human Genetics Tuebingen
Classification: Likely benign. Last evaluated: 2026-06-01. Review status: criteria provided, single submitter. Criteria: CeGaT Center For Human Genetics Tuebingen Variant Classification Criteria Version 2. Collection method: clinical testing. Allele origin: germline. Affected: yes. Observed: 39 variant alleles. Not counted in ClinVar's aggregate classification.
Comment: RYR1: BS2

Labcorp Genetics (formerly Invitae), Labcorp
Classification: Benign for RYR1-related disorder. Last evaluated: 2026-02-04. Review status: criteria provided, single submitter. Criteria: Invitae Variant Classification Sherloc (09022015). Collection method: clinical testing. Allele origin: germline. Not counted in ClinVar's aggregate classification.

Blueprint Genetics
Classification: Likely benign. Last evaluated: 2024-11-28. Review status: criteria provided, single submitter. Criteria: ACMG Guidelines, 2015. Collection method: clinical testing. Allele origin: germline. Not counted in ClinVar's aggregate classification.

ARUP Laboratories, Molecular Genetics and Genomics, ARUP Laboratories
Classification: Likely benign. Last evaluated: 2024-11-26. Review status: criteria provided, single submitter. Criteria: ARUP Molecular Germline Variant Investigation Process 2024. Collection method: clinical testing. Allele origin: germline. Not counted in ClinVar's aggregate classification.

Mayo Clinic Laboratories, Mayo Clinic
Classification: Benign. Last evaluated: 2024-11-06. Review status: criteria provided, single submitter. Criteria: ACMG Guidelines, 2015. Collection method: clinical testing. Allele origin: germline. Observed: 8 variant alleles. Not counted in ClinVar's aggregate classification.
Comment: BS1, BS2

All of Us Research Program, National Institutes of Health
Classification: Benign for Malignant hyperthermia, susceptibility to, 1. Last evaluated: 2024-09-27. Review status: criteria provided, single submitter. Criteria: ACMG Guidelines, 2015. Collection method: clinical testing. Allele origin: germline. Inheritance: Autosomal dominant inheritance. Observed: 1,225 variant alleles, 1,224 heterozygotes, 1 homozygote. Not counted in ClinVar's aggregate classification.
Comment: This study involves interpretation of variants in research participants for the purpose of population health screening. Participant phenotype was not available at the time of variant classification. Additional details can be found in publication PMID: 35346344, PMCID: PMC8962531

Mendelics
Classification: Benign for Malignant hyperthermia, susceptibility to, 1. Last evaluated: 2023-08-22. Review status: criteria provided, single submitter. Criteria: Mendelics Assertion Criteria 2019. Collection method: clinical testing. Allele origin: germline. Not counted in ClinVar's aggregate classification.

Women's Health and Genetics/Laboratory Corporation of America, LabCorp
Classification: Likely benign. Last evaluated: 2023-06-01. Review status: criteria provided, single submitter. Criteria: LabCorp Variant Classification Summary - May 2015. Collection method: clinical testing. Allele origin: germline. Not counted in ClinVar's aggregate classification.
Comment: Variant summary: RYR1 c.13513G>C (p.Asp4505His) results in a non-conservative amino acid change located in the ryanodine receptor TM 4-6 domain (IPR009460) of the encoded protein sequence. Five of five in-silico tools predict a damaging effect of the variant on protein function. 4/4 computational tools predict no significant impact on normal splicing. However, these predictions have yet to be confirmed by functional studies. The variant allele was found at a frequency of 0.0034 in 206460 control chromosomes, including 2 homozygotes, and predominantly at a frequency of 0.0054 within the Non-Finnish European subpopulation in the gnomAD database. The observed variant frequency within Non-Finnish European control individuals in the gnomAD database is higher than the estimated maximal expected allele frequency for a pathogenic variant in RYR1 causing Malignant Hyperthermia Susceptibility phenotype determined by the ClinGen Malignant Hyperthermia Susceptibility Variant Curation Expert Panel (0.0054 vs 0.0038; Johnston_2021), suggesting that the variant is a benign polymorphism found primarily in populations of Non-Finnish European origin. c.13513G>C has been reported in the literature in individuals affected with malignant hyperthermia susceptibility, King-Denborough syndrome, congenital myopathy, RYR1-related late-onset axial myopathy, core myopathy, idiopathic hyperCKemia and atrioventricular septal defect; however no strong evidences of pathogenicity were found in these studies (e.g. Malandrini_2008, Groom_2011, Klein_2012, Maggi_2013, Loseth_2013, Klingler_2014, Gillies_2015, Priest_2016, Jokela_2019, Elliott_2022, Fusto_2022). Thus, these reports do not provide unequivocal conclusions about association of the variant with Malignant Hyperthermia Susceptibility or other RYR2-related disorders. This variant was found to cause a modest increase in caffeine sensitivity as compared to the wild type protein, and to further enhance such sensitivity when present in cis or trans with another variant, p.R3983C (Groom_2011). Twelve submitters, including the ClinGen Malignant Hyperthermia Susceptibility Variant Curation Expert Panel, have provided clinical-significance assessments for this variant to ClinVar after 2014 and classified the variant as benign (n=2)/likely benign (n=6) or VUS (n=4). Based on the evidence outlined above, the variant was classified as likely benign.

Color Diagnostics, LLC DBA Color Health
Classification: Benign for Malignant hyperthermia, susceptibility to, 1. Last evaluated: 2022-09-01. Review status: criteria provided, single submitter. Criteria: ACMG Guidelines, 2015. Collection method: clinical testing. Allele origin: germline. Not counted in ClinVar's aggregate classification.

Fulgent Genetics
Classification: Likely benign for Central core myopathy; Malignant hyperthermia, susceptibility to, 1; Congenital myopathy 4A, autosomal dominant; Congenital multicore myopathy with external ophthalmoplegia; King Denborough syndrome. Last evaluated: 2022-04-06. Review status: criteria provided, single submitter. Criteria: ACMG Guidelines, 2015. Collection method: clinical testing. Allele origin: unknown. Not counted in ClinVar's aggregate classification.

Athena Diagnostics
Classification: Uncertain significance. Last evaluated: 2021-08-12. Review status: criteria provided, single submitter. Criteria: Athena Diagnostics Criteria. Collection method: clinical testing. Allele origin: unknown. Not counted in ClinVar's aggregate classification.

NM_000540.3(RYR1):c.13513G>C (p.Asp4505His)

Gene: RYR1 (ryanodine receptor 1; plus strand). Cytogenetic location: 19q13.2.
Variant type: single nucleotide variant.
Coding change: c.13513G>C on transcript NM_000540.3 (MANE Select); coding-DNA position 13513, G replaced by C.
Protein change: p.Asp4505His; replaces aspartic acid 4505 with histidine.
Molecular consequence: missense variant.
Genome position (GRCh38, 1-based): chr19:38,566,986, G>C. VCF-style: chr19-38566986-G-C. GRCh37 (hg19) VCF-style: chr19-39057626-G-C.
Other names: NM_000540.3(RYR1):c.13513G>C; c.13498G>C, p.Asp4500His (NM_001042723.2); short protein forms D4505H, D4500H.
Identifiers: ClinVar variation 93252 (VCV000093252.75), dbSNP rs150396398, ClinGen allele CA024057.